The following is an entry in ClinVar:

NM_025144.4(ALPK1):c.757G>A (p.Asp253Asn)

Gene: ALPK1 (alpha kinase 1; plus strand). Cytogenetic location: 4q25.
Variant type: single nucleotide variant.
Coding change: c.757G>A on transcript NM_025144.4 (MANE Select); coding-DNA position 757, G replaced by A.
Protein change: p.Asp253Asn; replaces aspartic acid 253 with asparagine.
Molecular consequence: missense variant.
Genome position (GRCh38, 1-based): chr4:112,427,627, G>A. VCF-style: chr4-112427627-G-A. GRCh37 (hg19) VCF-style: chr4-113348783-G-A.
Other names: c.757G>A, p.Asp253Asn (NM_001102406.2); c.523G>A, p.Asp175Asn (NM_001253884.2); short protein forms D175N, D253N.
Identifiers: ClinVar variation 3678924 (VCV003678924.2).

ClinVar aggregate classification (germline): Uncertain significance (1 of 4 stars; one submission).

gnomAD v4.1: 2 of 1,613,984 alleles (0.00012%); highest among the groups gnomAD compares: South Asian, 0.0011%; no homozygotes.

Submission:

Labcorp Genetics (formerly Invitae), Labcorp
Classification: Uncertain significance. Last evaluated: 2024-10-16. Review status: criteria provided, single submitter. Criteria: Invitae Variant Classification Sherloc (09022015). Collection method: clinical testing. Allele origin: germline.
Comment: This sequence change replaces aspartic acid, which is acidic and polar, with asparagine, which is neutral and polar, at codon 253 of the ALPK1 protein (p.Asp253Asn). This variant is not present in population databases (gnomAD no frequency). This variant has not been reported in the literature in individuals affected with ALPK1-related conditions. Invitae Evidence Modeling of protein sequence and biophysical properties (such as structural, functional, and spatial information, amino acid conservation, physicochemical variation, residue mobility, and thermodynamic stability) indicates that this missense variant is expected to disrupt ALPK1 protein function with a positive predictive value of 80%. In summary, the available evidence is currently insufficient to determine the role of this variant in disease. Therefore, it has been classified as a Variant of Uncertain Significance.